The following is an entry in ClinVar:

NM_000059.4(BRCA2):c.5967dup (p.Asp1990fs)

Gene: BRCA2 (BRCA2 DNA repair associated; plus strand). Cytogenetic location: 13q13.1.
Variant type: Duplication.
Coding change: c.5967dup on transcript NM_000059.4 (MANE Select); coding-DNA position 5967, one base duplicated (A; older notation c.5967dupA).
Protein change: p.Asp1990fs; shifts the reading frame from aspartic acid 1990.
Molecular consequence: frameshift variant.
Genome position (GRCh38, 1-based): chr13:32,340,322, A duplicated. VCF-style (leftmost placement, unchanged base first): chr13-32340321-C-CA. GRCh37 (hg19) VCF-style: chr13-32914458-C-CA.
Other names: 6195insA; c.5967dupA (NM_000059.3); c.5967_5968insA (NM_000059.3); short protein forms D1990fs.
Identifiers: ClinVar variation 51976 (VCV000051976.9), dbSNP rs276174865, ClinGen allele CA023429.

ClinVar aggregate classification (germline): Pathogenic. Review status: reviewed by expert panel (3 of 4 stars). 5 submissions from 5 submitters: Pathogenic (1). 4 of the submissions do not count toward it. Last evaluated 2016-09-08.

Conditions:
Hereditary breast ovarian cancer syndrome. Also called: Hereditary breast and ovarian cancer syndrome; Hereditary breast and ovarian cancer; Hereditary breast and ovarian cancer syndrome (HBOC); Breast and ovarian cancer; Hereditary breast and/or ovarian cancer syndrome; BRCA1- and BRCA2-Associated Hereditary Breast and Ovarian Cancer. Identifiers: Orphanet 145, MedGen C0677776, MeSH D061325, MONDO:0003582. Disease mechanism: loss of function.
Breast-ovarian cancer, familial, susceptibility to, 2 (BROVCA2). Also called: BRCA2 Hereditary Breast and Ovarian Cancer. Identifiers: Orphanet 145, MedGen C2675520, MONDO:0012933, OMIM 612555. Disease mechanism: loss of function.

Submissions (5):

Evidence-based Network for the Interpretation of Germline Mutant Alleles (ENIGMA)
Classification: Pathogenic for Breast-ovarian cancer, familial, susceptibility to, 2. Last evaluated: 2016-09-08. Review status: reviewed by expert panel. Criteria: ENIGMA BRCA1/2 Classification Criteria (2015). Collection method: curation. Allele origin: germline.
Comment: Variant allele predicted to encode a truncated non-functional protein.

Labcorp Genetics (formerly Invitae), Labcorp
Classification: Pathogenic for Hereditary breast ovarian cancer syndrome. Last evaluated: 2025-11-22. Review status: criteria provided, single submitter. Criteria: Invitae Variant Classification Sherloc (09022015). Collection method: clinical testing. Allele origin: germline. Not counted in ClinVar's aggregate classification.
Comment: This sequence change creates a premature translational stop signal (p.Asp1990Argfs*13) in the BRCA2 gene. It is expected to result in an absent or disrupted protein product. Loss-of-function variants in BRCA2 are known to be pathogenic (PMID: 20104584). This variant is not present in population databases (gnomAD no frequency). This premature translational stop signal has been observed in individual(s) with breast cancer (PMID: 18627636, 28993434). This variant is also known as 6195 insA, STOP 2002. ClinVar contains an entry for this variant (Variation ID: 51976). For these reasons, this variant has been classified as Pathogenic.

KCCC/NGS Laboratory, Kuwait Cancer Control Center
Classification: Pathogenic for Breast-ovarian cancer, familial, susceptibility to, 2. Last evaluated: 2023-06-06. Review status: criteria provided, single submitter. Criteria: ACMG Guidelines, 2015. Collection method: clinical testing. Allele origin: germline. Affected: yes. Not counted in ClinVar's aggregate classification.
Comment: The pathogenic BRCA2 mutation (c.5967_5968insA) was detected in this specimen. This sequence change creates a premature translational stop signal (p.Asp1990fs) in the BRCA2 gene. It is expected to result in an absent or disrupted protein product. This variant in not listed in the gnomAD genomes nor in our local database . This variant has not been reported in the literature in individuals with BRCA2-related conditions. This variant has an entry in ClinVar (51976) with triple submissions described as pathogenic and reviewed by expert panel . Loss-of-function variants in BRCA2 are known to be pathogenic (PMID: 20104584). Therefore, this variant has been classified as Pathogenic.

Consortium of Investigators of Modifiers of BRCA1/2 (CIMBA), c/o University of Cambridge
Classification: Pathogenic for Breast-ovarian cancer, familial, susceptibility to, 2. Last evaluated: 2015-10-02. Review status: criteria provided, single submitter. Criteria: CIMBA Mutation Classification guidelines May 2016. Collection method: clinical testing. Allele origin: germline. Not counted in ClinVar's aggregate classification.

Breast Cancer Information Core (BIC) (BRCA2)
Classification: Pathogenic for Breast-ovarian cancer, familial 2. Last evaluated: 2010-09-18. Review status: no assertion criteria provided. Collection method: clinical testing. Allele origin: germline. Affected: yes. Observed: 1 variant allele. Not counted in ClinVar's aggregate classification.

Literature cited by the submitters: PubMed 20104584 (cited by Labcorp Genetics (formerly Invitae), Labcorp); PubMed 18627636 (cited by Labcorp Genetics (formerly Invitae), Labcorp); PubMed 28993434 (cited by Labcorp Genetics (formerly Invitae), Labcorp).